The following is an entry in ClinVar:

ClinVar aggregate classification (germline): Benign. Review status: criteria provided, single submitter (1 of 4 stars). 2 submissions from 2 submitters: Benign (1). 1 of the submissions does not count toward it. Last evaluated 2026-01-23.

Conditions:
GSC-related disorder. Also called: GSC-related condition.

Allele frequency attached by ClinVar (database versions not stated): gnomAD 0.00026 and 0.00025; 1000 Genomes Project 30x 0.00031; TOPMed 0.00062; ExAC below 0.00001; gnomAD exomes 0.00204.

Submissions (2):

Labcorp Genetics (formerly Invitae), Labcorp
Classification: Benign. Last evaluated: 2026-01-23. Review status: criteria provided, single submitter. Criteria: Invitae Variant Classification Sherloc (09022015). Collection method: clinical testing. Allele origin: germline.

PreventionGenetics, part of Exact Sciences
Classification: Benign for GSC-related condition. Last evaluated: 2024-08-26. Review status: no assertion criteria provided. Collection method: clinical testing. Allele origin: germline. Not counted in ClinVar's aggregate classification.
Comment: This variant is classified as benign based on ACMG/AMP sequence variant interpretation guidelines (Richards et al. 2015 PMID: 25741868, with internal and published modifications).

NM_173849.3(GSC):c.180C>A (p.Arg60=)

Gene: GSC (goosecoid homeobox; minus strand). Cytogenetic location: 14q32.13.
Variant type: single nucleotide variant.
Coding change: c.180C>A on transcript NM_173849.3 (MANE Select); coding-DNA position 180, C replaced by A.
Protein change: p.Arg60=; no amino-acid change (arginine 60 retained).
Molecular consequence: synonymous variant.
Genome position (GRCh38, 1-based): chr14:94,769,836, G>T on the plus strand (C>A on the coding strand, the complement: GSC is on the minus strand). VCF-style: chr14-94769836-G-T. GRCh37 (hg19) VCF-style: chr14-95236173-G-T.
Identifiers: ClinVar variation 771469 (VCV000771469.11), dbSNP rs755704451, ClinGen allele CA7330537.